The following is an entry in ClinVar:

ClinVar aggregate classification (germline): Uncertain significance (1 of 4 stars; one submission).

Allele frequency attached by ClinVar (database versions not stated): gnomAD 0.00001.
gnomAD v4.1: 1 of 1,536,952 alleles (0.000065%); highest among the groups gnomAD compares: African/African-American, 0.0014%; no homozygotes.

Submission:

Labcorp Genetics (formerly Invitae), Labcorp
Classification: Uncertain significance. Last evaluated: 2022-07-20. Review status: criteria provided, single submitter. Criteria: Invitae Variant Classification Sherloc (09022015). Collection method: clinical testing. Allele origin: germline.
Comment: In summary, the available evidence is currently insufficient to determine the role of this variant in disease. Therefore, it has been classified as a Variant of Uncertain Significance. Algorithms developed to predict the effect of missense changes on protein structure and function (SIFT, PolyPhen-2, Align-GVGD) all suggest that this variant is likely to be tolerated. This variant has not been reported in the literature in individuals affected with FAM20C-related conditions. This variant is present in population databases (no rsID available, gnomAD 0.01%). This sequence change replaces isoleucine, which is neutral and non-polar, with valine, which is neutral and non-polar, at codon 475 of the FAM20C protein (p.Ile475Val).

NM_020223.4(FAM20C):c.1423A>G (p.Ile475Val)

Gene: FAM20C (FAM20C golgi associated secretory pathway kinase; plus strand). Cytogenetic location: 7p22.3.
Variant type: single nucleotide variant.
Coding change: c.1423A>G on transcript NM_020223.4 (MANE Select); coding-DNA position 1423, A replaced by G.
Protein change: p.Ile475Val; replaces isoleucine 475 with valine.
Molecular consequence: missense variant.
Genome position (GRCh38, 1-based): chr7:257,064, A>G. VCF-style: chr7-257064-A-G. GRCh37 (hg19) VCF-style: chr7-297030-A-G.
Other names: short protein forms I475V.
Identifiers: ClinVar variation 1720982 (VCV001720982.5), dbSNP rs1390471078, ClinGen allele CA366525872.